The following is an entry in ClinVar:

ClinVar aggregate classification (germline): Uncertain significance. Review status: criteria provided, multiple submitters, no conflicts (2 of 4 stars). 2 submissions from 2 submitters: Uncertain significance (2). Last evaluated 2024-05-29.

Conditions:
Dyskeratosis congenita. Identifiers: Orphanet 1775, MedGen C0265965, MONDO:0015780.
Cerebroretinal microangiopathy with calcifications and cysts 1 (CRMCC1). Identifiers: Orphanet 313838, MedGen C4552029, MONDO:0024564, OMIM 612199.

Allele frequency attached by ClinVar (database versions not stated): TOPMed below 0.00001; gnomAD 0.00001.
gnomAD v4.1: 2 of 1,613,948 alleles (0.00012%); highest among the groups gnomAD compares: East Asian, 0.0045%; no homozygotes.

Submissions (2):

Fulgent Genetics
Classification: Uncertain significance for Cerebroretinal microangiopathy with calcifications and cysts 1. Last evaluated: 2024-05-29. Review status: criteria provided, single submitter. Criteria: ACMG Guidelines, 2015. Collection method: clinical testing. Allele origin: germline.

Labcorp Genetics (formerly Invitae), Labcorp
Classification: Uncertain significance for Dyskeratosis congenita. Last evaluated: 2023-08-30. Review status: criteria provided, single submitter. Criteria: Invitae Variant Classification Sherloc (09022015). Collection method: clinical testing. Allele origin: germline.
Comment: ClinVar contains an entry for this variant (Variation ID: 459590). In summary, the available evidence is currently insufficient to determine the role of this variant in disease. Therefore, it has been classified as a Variant of Uncertain Significance. Advanced modeling of protein sequence and biophysical properties (such as structural, functional, and spatial information, amino acid conservation, physicochemical variation, residue mobility, and thermodynamic stability) performed at Invitae indicates that this missense variant is not expected to disrupt CTC1 protein function. This variant has not been reported in the literature in individuals affected with CTC1-related conditions. This variant is present in population databases (no rsID available, gnomAD 0.06%). This sequence change replaces serine, which is neutral and polar, with glycine, which is neutral and non-polar, at codon 433 of the CTC1 protein (p.Ser433Gly).

NM_025099.6(CTC1):c.1297A>G (p.Ser433Gly)

Gene: CTC1 (CST telomere replication complex component 1; minus strand). Cytogenetic location: 17p13.1.
Variant type: single nucleotide variant.
Coding change: c.1297A>G on transcript NM_025099.6 (MANE Select); coding-DNA position 1297, A replaced by G.
Protein change: p.Ser433Gly; replaces serine 433 with glycine.
Molecular consequence: missense variant. On other transcripts: non-coding transcript variant (1).
Genome position (GRCh38, 1-based): chr17:8,235,195, T>C on the plus strand (A>G on the coding strand, the complement: CTC1 is on the minus strand). VCF-style: chr17-8235195-T-C. GRCh37 (hg19) VCF-style: chr17-8138513-T-C.
Other names: short protein forms S433G.
Identifiers: ClinVar variation 459590 (VCV000459590.8), dbSNP rs1391872586, ClinGen allele CA397984775.